The following is an entry in ClinVar:

NM_015030.2(FRYL):c.3240G>A (p.Trp1080Ter)

Gene: FRYL (FRY like transcription coactivator; minus strand). Cytogenetic location: 4p11.
Variant type: single nucleotide variant.
Coding change: c.3240G>A on transcript NM_015030.2 (MANE Select); coding-DNA position 3240, G replaced by A.
Protein change: p.Trp1080Ter; replaces tryptophan 1080 with a stop codon.
Molecular consequence: nonsense.
Genome position (GRCh38, 1-based): chr4:48,565,621, C>T on the plus strand (G>A on the coding strand, the complement: FRYL is on the minus strand). VCF-style: chr4-48565621-C-T. GRCh37 (hg19) VCF-style: chr4-48567638-C-T.
Other names: short protein forms W1080*.
Identifiers: ClinVar variation 3777339 (VCV003777339.2).

ClinVar aggregate classification (germline): Pathogenic (1 of 4 stars; one submission).

Submission:

GeneDx
Classification: Pathogenic. Last evaluated: 2025-07-25. Review status: criteria provided, single submitter. Criteria: GeneDx Variant Classification Process June 2021. Collection method: clinical testing. Allele origin: germline.
Comment: Nonsense variant predicted to result in protein truncation or nonsense mediated decay in a gene for which loss of function is a known mechanism of disease; Not observed at significant frequency in large population cohorts (gnomAD); Has not been previously published as pathogenic or benign to our knowledge